The following is an entry in ClinVar:

ClinVar aggregate classification (germline): Uncertain significance (1 of 4 stars; one submission).

Submission:

Labcorp Genetics (formerly Invitae), Labcorp
Classification: Uncertain significance. Last evaluated: 2021-08-21. Review status: criteria provided, single submitter. Criteria: Invitae Variant Classification Sherloc (09022015). Collection method: clinical testing. Allele origin: germline.
Comment: Algorithms developed to predict the effect of missense changes on protein structure and function are either unavailable or do not agree on the potential impact of this missense change (SIFT: "Deleterious"; PolyPhen-2: "Benign"; Align-GVGD: "Class C0"). In summary, the available evidence is currently insufficient to determine the role of this variant in disease. Therefore, it has been classified as a Variant of Uncertain Significance. This variant has not been reported in the literature in individuals affected with SLC18A3-related conditions. This variant is not present in population databases (ExAC no frequency). This sequence change replaces isoleucine with methionine at codon 197 of the SLC18A3 protein (p.Ile197Met). The isoleucine residue is highly conserved and there is a small physicochemical difference between isoleucine and methionine.

NM_003055.3(SLC18A3):c.591A>G (p.Ile197Met)

Genes: CHAT (choline O-acetyltransferase; plus strand), SLC18A3 (solute carrier family 18 member A3; plus strand). Cytogenetic location: 10q11.23.
Variant type: single nucleotide variant.
Coding change: c.591A>G on transcript NM_003055.3 (MANE Select); coding-DNA position 591, A replaced by G.
Protein change: p.Ile197Met; replaces isoleucine 197 with methionine.
Molecular consequence: missense variant. On other transcripts: intron variant (1).
Genome position (GRCh38, 1-based): chr10:49,611,331, A>G. VCF-style: chr10-49611331-A-G. GRCh37 (hg19) VCF-style: chr10-50819377-A-G.
Other names: c.-69+2132A>G (NM_020984.4); short protein forms I197M.
Identifiers: ClinVar variation 1438021 (VCV001438021.7), dbSNP rs774216202, ClinGen allele CA376719574.